The following is an entry in ClinVar:

NM_080473.5(GATA5):c.10A>C (p.Ser4Arg)

Gene: GATA5 (GATA binding protein 5; minus strand). Cytogenetic location: 20q13.33.
Variant type: single nucleotide variant.
Coding change: c.10A>C on transcript NM_080473.5 (MANE Select); coding-DNA position 10, A replaced by C.
Protein change: p.Ser4Arg; replaces serine 4 with arginine.
Molecular consequence: missense variant.
Genome position (GRCh38, 1-based): chr20:62,475,512, T>G on the plus strand (A>C on the coding strand, the complement: GATA5 is on the minus strand). VCF-style: chr20-62475512-T-G. GRCh37 (hg19) VCF-style: chr20-61050568-T-G.
Other names: short protein forms S4R.
Identifiers: ClinVar variation 4883712 (VCV004883712.2).

ClinVar aggregate classification (germline): Uncertain significance (1 of 4 stars; one submission).

Submission:

Dasa
Classification: Uncertain significance. Last evaluated: 2025-05-29. Review status: criteria provided, single submitter. Criteria: DASA Assertion Criteria. Collection method: clinical testing. Allele origin: germline.
Comment: NM_080473.5(GATA5):c.10A>C (p.Ser4Arg) is a missense variant that results in the substitution of serine with arginine. This variant is absent from population databases. The currently available literature and clinical evidence are not sufficient to establish a definitive association between this variant and the reported condition. Therefore, this variant is classified as a variant of uncertain significance.